The following is an entry in ClinVar:

NM_001395513.1(TMPRSS9):c.970G>A (p.Asp324Asn)

Gene: TMPRSS9 (transmembrane serine protease 9; plus strand). Cytogenetic location: 19p13.3.
Variant type: single nucleotide variant.
Coding change: c.970G>A on transcript NM_001395513.1 (MANE Select); coding-DNA position 970, G replaced by A.
Protein change: p.Asp324Asn; replaces aspartic acid 324 with asparagine.
Molecular consequence: missense variant.
Genome position (GRCh38, 1-based): chr19:2,408,483, G>A. VCF-style: chr19-2408483-G-A. GRCh37 (hg19) VCF-style: chr19-2408481-G-A.
Other names: c.274G>A, p.Asp92Asn (NM_001385642.1); c.868G>A, p.Asp290Asn (NM_182973.3); c.868G>A (NM_182973.1); short protein forms D290N, D92N, D324N.
Identifiers: ClinVar variation 1321300 (VCV001321300.5), dbSNP rs769135128, ClinGen allele CA9066104.

ClinVar aggregate classification (germline): Uncertain significance. Review status: criteria provided, multiple submitters, no conflicts (2 of 4 stars). 2 submissions from 2 submitters: Uncertain significance (2). Last evaluated 2021-10-25.

Conditions:
Global developmental delay (DD). Also called: Cognitive delay. Identifiers: MedGen C0557874, HP:0001263. Disease mechanism: loss of function.

Allele frequency attached by ClinVar (database versions not stated): ExAC 0.00002; gnomAD 0.00003 and 0.00004; gnomAD exomes 0.00003; TOPMed 0.00003.

Submissions (2):

3billion
Classification: Uncertain significance for Global developmental delay. Last evaluated: 2021-10-25. Review status: criteria provided, single submitter. Criteria: ACMG Guidelines, 2015. Collection method: clinical testing. Allele origin: unknown. Affected: yes. Observed: 1 heterozygote.
Comment: The variant is observed at an extremely low frequency in the gnomAD v2.1.1 dataset (total allele frequency: 0.00003, PM2). In silico tool predictions suggest damaging effect of the variant on gene or gene product (REVEL: 0.7, PP3). Therefore, this variant is classified as uncertain significance according to the recommendation of ACMG/AMP guideline.

Ambry Genetics
Classification: Uncertain significance. Last evaluated: 2021-07-20. Review status: criteria provided, single submitter. Criteria: Ambry Variant Classification Scheme 2023. Collection method: clinical testing. Allele origin: germline.